The following is an entry in ClinVar:

NM_015338.6(ASXL1):c.3447_3448delinsTC (p.Met1149_Gly1150delinsIleArg)

Gene: ASXL1 (ASXL transcriptional regulator 1; plus strand). Cytogenetic location: 20q11.21.
Variant type: Indel.
Coding change: c.3447_3448delinsTC on transcript NM_015338.6 (MANE Select); coding-DNA positions 3447 to 3448, GG replaced by TC.
Protein change: p.Met1149_Gly1150delinsIleArg.
Molecular consequence: missense variant.
Genome position (GRCh38, 1-based): chr20:32,436,159-32,436,160, GG replaced by TC. VCF-style: chr20-32436159-GG-TC. GRCh37 (hg19) VCF-style: chr20-31023962-GG-TC.
Other names: c.3264_3265delinsTC, p.Met1088_Gly1089delinsIleArg (NM_001363734.1).
Identifiers: ClinVar variation 4762322 (VCV004762322.1).

ClinVar aggregate classification (germline): Uncertain significance (1 of 4 stars; one submission).

Submission:

Labcorp Genetics (formerly Invitae), Labcorp
Classification: Uncertain significance. Last evaluated: 2025-08-07. Review status: criteria provided, single submitter. Criteria: Invitae Variant Classification Sherloc (09022015). Collection method: clinical testing. Allele origin: germline.
Comment: This variant, c.3447_3448delinsTC, is a complex sequence change that results in the deletion of 2 and insertion of 2 amino acid(s) in the ASXL1 protein (p.Met1149_Gly1150delinsIleArg). Information on the frequency of this variant in the gnomAD database is not available, as this variant may be reported differently in the database. This variant has not been reported in the literature in individuals affected with ASXL1-related conditions. Experimental studies and prediction algorithms are not available or were not evaluated, and the functional significance of this variant is currently unknown. In summary, the available evidence is currently insufficient to determine the role of this variant in disease. Therefore, it has been classified as a Variant of Uncertain Significance.